The following is an entry in ClinVar:

ClinVar aggregate classification (germline): Likely benign. Review status: criteria provided, multiple submitters, no conflicts (2 of 4 stars). 2 submissions from 2 submitters: Likely benign (2). Last evaluated 2023-11-01.

Allele frequency attached by ClinVar (database versions not stated): TOPMed below 0.00001; ExAC 0.00002; gnomAD exomes 0.00002.
gnomAD v4.1: 26 of 1,610,138 alleles (0.0016%); highest among the groups gnomAD compares: East Asian, 0.0045%; no homozygotes.

Submissions (2):

CeGaT Center for Human Genetics Tuebingen
Classification: Likely benign. Last evaluated: 2023-11-01. Review status: criteria provided, single submitter. Criteria: CeGaT Center For Human Genetics Tuebingen Variant Classification Criteria Version 2. Collection method: clinical testing. Allele origin: germline. Affected: yes. Observed: 1 variant allele.
Comment: SNRNP200: BP4

Blueprint Genetics
Classification: Likely benign. Last evaluated: 2022-09-02. Review status: criteria provided, single submitter. Criteria: ACMG Guidelines, 2015. Collection method: clinical testing. Allele origin: germline.

NM_014014.5(SNRNP200):c.4392+7C>T

Gene: SNRNP200 (small nuclear ribonucleoprotein U5 subunit 200; minus strand). Cytogenetic location: 2q11.2.
Variant type: single nucleotide variant.
Coding change: c.4392+7C>T on transcript NM_014014.5 (MANE Select); 7 bases into the intron after coding-DNA position 4392, C replaced by T.
Molecular consequence: intron variant.
Genome position (GRCh38, 1-based): chr2:96,284,351, G>A on the plus strand (C>T on the coding strand, the complement: SNRNP200 is on the minus strand). VCF-style: chr2-96284351-G-A. GRCh37 (hg19) VCF-style: chr2-96950089-G-A.
Identifiers: ClinVar variation 2672823 (VCV002672823.24), dbSNP rs769319911, ClinGen allele CA1778229.
Genomic context (GRCh38, chr2:96,284,351, plus strand): 5'-TAGGTCCAATGCCAAGGCCACTTGGTCAGTCCCAGTCCCTCATCTGTGCTGCAAGGTCAC[G>A]CCATACCCCATTCTCGCCCCCGATAAGGTGGACCTCATCCACCACGAAGAGGTTGATGTT-3'